The following is an entry in ClinVar:

NM_002839.4(PTPRD):c.2983C>T (p.Arg995Cys)

Genes: PTPRD (protein tyrosine phosphatase receptor type D; minus strand), LOC126860578 (MED14-independent group 3 enhancer GRCh37_chr9:8485393-8486592; plus strand). Cytogenetic location: 9p24.1.
Variant type: single nucleotide variant.
Coding change: c.2983C>T on transcript NM_002839.4 (MANE Select); coding-DNA position 2983, C replaced by T.
Protein change: p.Arg995Cys; replaces arginine 995 with cysteine.
Molecular consequence: missense variant. On other transcripts: intron variant (7).
Genome position (GRCh38, 1-based): chr9:8,485,834, G>A on the plus strand (C>T on the coding strand, the complement: PTPRD is on the minus strand). VCF-style: chr9-8485834-G-A. GRCh37 (hg19) VCF-style: chr9-8485834-G-A.
Other names: c.2983C>T, p.Arg995Cys (NM_001377958.1, NM_001378058.1); c.1793-510C>T (NM_001171025.2); c.1805-510C>T (NM_001377946.1); c.1814-507C>T (NM_001377947.1); c.1823-510C>T (NM_130391.4, NM_130392.3); c.1814-510C>T (NM_001040712.2); c.1805-507C>T (NM_130393.3); short protein forms R995C.
Identifiers: ClinVar variation 3055817 (VCV003055817.2), dbSNP rs35929428, ClinGen allele CA4983951.

ClinVar aggregate classification (germline): Benign (0 of 4 stars; one submission).

Conditions:
PTPRD-related disorder. Also called: PTPRD-related condition.

Allele frequency attached by ClinVar (database versions not stated): ESP Exome Variant Server 0.06881; gnomAD 0.07313; 1000 Genomes Project 30x 0.07464; 1000 Genomes Project 0.07748.
gnomAD v4.1: 145,486 of 1,613,976 alleles (9%); highest among the groups gnomAD compares: South Asian, 13%; 7,046 homozygotes.

Submission:

PreventionGenetics, part of Exact Sciences
Classification: Benign for PTPRD-related condition. Last evaluated: 2019-11-15. Review status: no assertion criteria provided. Collection method: clinical testing. Allele origin: germline.
Comment: This variant is classified as benign based on ACMG/AMP sequence variant interpretation guidelines (Richards et al. 2015 PMID: 25741868, with internal and published modifications).